The following is an entry in ClinVar:

ClinVar aggregate classification (germline): Uncertain significance. Review status: criteria provided, multiple submitters, no conflicts (2 of 4 stars). 3 submissions from 3 submitters: Uncertain significance (3). Last evaluated 2026-03-30.

Conditions:
FOXN1-related disorder. Also called: FOXN1-related condition.
Inborn genetic diseases. Identifiers: MedGen C0950123, MeSH D030342.
T-cell immunodeficiency, congenital alopecia, and nail dystrophy. Also called: Congenital alopecia and nail dystrophy associated with severe functional T-cell immunodeficiency; Pignata Guarino syndrome. Identifiers: Orphanet 169095, MedGen C1866426, MONDO:0011132, OMIM 601705.

Allele frequency attached by ClinVar (database versions not stated): ExAC 0.00004; gnomAD exomes 0.00005; gnomAD 0.00007; TOPMed 0.00008; ESP Exome Variant Server 0.00015.
gnomAD v4.1: 204 of 1,612,966 alleles (0.013%); highest among the groups gnomAD compares: Non-Finnish European, 0.016%; no homozygotes.

Submissions (3):

PreventionGenetics, part of Exact Sciences
Classification: Uncertain significance for FOXN1-related condition. Last evaluated: 2026-03-30. Review status: criteria provided, single submitter. Criteria: ACMG Guidelines, 2015. Collection method: clinical testing. Allele origin: germline.
Comment: The FOXN1 c.1895C>T variant is predicted to result in the amino acid substitution p.Ala632Val. To our knowledge, this variant has not been reported in the literature. This variant is reported in 0.012% of alleles in individuals of European (Non-Finnish) descent in gnomAD. At this time, the clinical significance of this variant is uncertain due to the absence of conclusive functional and genetic evidence.

Ambry Genetics
Classification: Uncertain significance for Inborn genetic diseases. Last evaluated: 2024-09-04. Review status: criteria provided, single submitter. Criteria: Ambry Variant Classification Scheme 2023. Collection method: clinical testing. Allele origin: germline.

Labcorp Genetics (formerly Invitae), Labcorp
Classification: Uncertain significance for T-cell immunodeficiency, congenital alopecia, and nail dystrophy. Last evaluated: 2024-06-28. Review status: criteria provided, single submitter. Criteria: Invitae Variant Classification Sherloc (09022015). Collection method: clinical testing. Allele origin: germline.
Comment: This sequence change replaces alanine, which is neutral and non-polar, with valine, which is neutral and non-polar, at codon 632 of the FOXN1 protein (p.Ala632Val). This variant is present in population databases (rs199910445, gnomAD 0.01%). This variant has not been reported in the literature in individuals affected with FOXN1-related conditions. ClinVar contains an entry for this variant (Variation ID: 953715). An algorithm developed to predict the effect of missense changes on protein structure and function (PolyPhen-2) suggests that this variant¬†is likely to be tolerated. In summary, the available evidence is currently insufficient to determine the role of this variant in disease. Therefore, it has been classified as a Variant of Uncertain Significance.

NM_001369369.1(FOXN1):c.1895C>T (p.Ala632Val)

Gene: FOXN1 (forkhead box N1; plus strand). Cytogenetic location: 17q11.2.
Variant type: single nucleotide variant.
Coding change: c.1895C>T on transcript NM_001369369.1 (MANE Select); coding-DNA position 1895, C replaced by T.
Protein change: p.Ala632Val; replaces alanine 632 with valine.
Molecular consequence: missense variant.
Genome position (GRCh38, 1-based): chr17:28,537,384, C>T. VCF-style: chr17-28537384-C-T. GRCh37 (hg19) VCF-style: chr17-26864402-C-T.
Other names: c.1895C>T, p.Ala632Val (NM_003593.3); short protein forms A632V.
Identifiers: ClinVar variation 953715 (VCV000953715.7), dbSNP rs199910445, ClinGen allele CA8459657.